The following is an entry in ClinVar:

ClinVar aggregate classification (germline): Benign/Likely benign. Review status: criteria provided, multiple submitters, no conflicts (2 of 4 stars). 15 submissions from 13 submitters: Benign (8); Likely benign (2). 5 of the submissions do not count toward it. Last evaluated 2026-09-01.

Conditions:
Arterial calcification, generalized, of infancy, 2. Identifiers: Orphanet 51608, MedGen C3276161, MONDO:0013768, OMIM 614473.
Pseudoxanthoma elasticum, forme fruste. Also called: Pseudoxanthoma Elasticum, Incomplete; PSEUDOXANTHOMA ELASTICUM, HETEROZYGOUS. Identifiers: Orphanet 758, MedGen C1867450, MONDO:0008333, OMIM 177850.
Autosomal recessive inherited pseudoxanthoma elasticum (PXE). Identifiers: Orphanet 758, MedGen CN032334, MONDO:0009925, OMIM 264800.

Allele frequency attached by ClinVar (database versions not stated): 1000 Genomes Project 30x 0.00265; 1000 Genomes Project 0.00300; gnomAD exomes 0.00711 and 0.01033; TOPMed 0.00720; ExAC 0.00733; gnomAD 0.00765 and 0.00784; ESP Exome Variant Server 0.00893.
gnomAD v4.1: 16,171 of 1,613,896 alleles (1%); highest among the groups gnomAD compares: Non-Finnish European, 1.2%; 110 homozygotes.

Submissions (15):

CeGaT Center for Human Genetics Tuebingen
Classification: Benign. Last evaluated: 2026-09-01. Review status: criteria provided, single submitter. Criteria: CeGaT Center For Human Genetics Tuebingen Variant Classification Criteria Version 2. Collection method: clinical testing. Allele origin: germline. Affected: yes. Observed: 48 variant alleles.
Comment: ABCC6: BP4, BP7, BS1, BS2

Labcorp Genetics (formerly Invitae), Labcorp
Classification: Benign. Last evaluated: 2026-02-02. Review status: criteria provided, single submitter. Criteria: Invitae Variant Classification Sherloc (09022015). Collection method: clinical testing. Allele origin: germline.

Blueprint Genetics
Classification: Likely benign. Last evaluated: 2024-11-27. Review status: criteria provided, single submitter. Criteria: ACMG Guidelines, 2015. Collection method: clinical testing. Allele origin: germline.

Mayo Clinic Laboratories, Mayo Clinic
Classification: Benign. Last evaluated: 2023-10-11. Review status: criteria provided, single submitter. Criteria: ACMG Guidelines, 2015. Collection method: clinical testing. Allele origin: germline. Observed: 3 variant alleles.
Comment: BS1, BS2, BP4, BP7

Fulgent Genetics
Classification: Likely benign for Pseudoxanthoma elasticum, forme fruste; Autosomal recessive inherited pseudoxanthoma elasticum; Arterial calcification, generalized, of infancy, 2. Last evaluated: 2021-12-17. Review status: criteria provided, single submitter. Criteria: ACMG Guidelines, 2015. Collection method: clinical testing. Allele origin: unknown.

Genome-Nilou Lab
Classification: Benign for Arterial calcification, generalized, of infancy, 2. Last evaluated: 2021-12-05. Review status: criteria provided, single submitter. Criteria: ACMG Guidelines, 2015. Collection method: clinical testing. Allele origin: germline. Affected: no.

Genome-Nilou Lab
Classification: Benign for Autosomal recessive inherited pseudoxanthoma elasticum. Last evaluated: 2021-12-05. Review status: criteria provided, single submitter. Criteria: ACMG Guidelines, 2015. Collection method: clinical testing. Allele origin: germline. Affected: no.

Genome-Nilou Lab
Classification: Benign for Pseudoxanthoma elasticum, forme fruste. Last evaluated: 2021-12-05. Review status: criteria provided, single submitter. Criteria: ACMG Guidelines, 2015. Collection method: clinical testing. Allele origin: germline. Affected: no.

GeneDx
Classification: Benign. Last evaluated: 2020-01-10. Review status: criteria provided, single submitter. Criteria: GeneDx Variant Classification Process June 2021. Collection method: clinical testing. Allele origin: germline. Affected: yes.
Comment: This variant is associated with the following publications: (PMID: 17920311, 16127278)

Breakthrough Genomics
Classification: Benign. Review status: criteria provided, single submitter. Criteria: ACMG Guidelines, 2015. Collection method: not provided. Allele origin: germline. Inheritance: Autosomal recessive inheritance. Affected: yes.

PXE International
Classification: Benign for Autosomal recessive inherited pseudoxanthoma elasticum. Last evaluated: 2021-03-01. Review status: no assertion criteria provided. Collection method: research. Allele origin: germline. Inheritance: Autosomal recessive inheritance. Affected: yes. Not counted in ClinVar's aggregate classification.

Reproductive Health Research and Development, BGI Genomics
Classification: Likely benign for Pseudoxanthoma elasticum. Last evaluated: 2020-01-06. Review status: no assertion criteria provided. Collection method: curation. Allele origin: germline. Not counted in ClinVar's aggregate classification.
Comment: NM_001171.5:c.4254G>A in the ABCC6 gene has an allele frequency of 0.012 in European (non-Finnish) subpopulation in the gnomAD database. It is a synonymous (silent) variant for which splicing prediction algorithms predict no impact to the splice consensus sequence nor the creation of a new splice site and the nucleotide is not highly conserved. Schulza et al reported six patients with abdominal aortic aneurysm. Taken together, we interprete this variant as Benign/Likely benign variant. ACMG/AMP criteria applied: BS1, BP7.

Clinical Genetics DNA and cytogenetics Diagnostics Lab, Erasmus MC, Erasmus Medical Center
Classification: Likely benign. Review status: no assertion criteria provided. Collection method: clinical testing. Allele origin: germline. Affected: yes. Study: VKGL Data-share Consensus. Not counted in ClinVar's aggregate classification.

Clinical Genetics, Academic Medical Center
Classification: Benign. Review status: no assertion criteria provided. Collection method: clinical testing. Allele origin: germline. Affected: yes. Study: VKGL Data-share Consensus. Not counted in ClinVar's aggregate classification.

Joint Genome Diagnostic Labs from Nijmegen and Maastricht, Radboudumc and MUMC+
Classification: Benign. Review status: no assertion criteria provided. Collection method: clinical testing. Allele origin: germline. Affected: yes. Study: VKGL Data-share Consensus. Not counted in ClinVar's aggregate classification.

Literature cited by the submitters: PubMed 16127278 (cited by PXE International).

NM_001171.6(ABCC6):c.4254G>A (p.Arg1418=)

Gene: ABCC6 (ATP binding cassette subfamily C member 6; minus strand). Cytogenetic location: 16p13.11.
Variant type: single nucleotide variant.
Coding change: c.4254G>A on transcript NM_001171.6 (MANE Select); coding-DNA position 4254, G replaced by A.
Protein change: p.Arg1418=; no amino-acid change (arginine 1418 retained).
Molecular consequence: synonymous variant. On other transcripts: non-coding transcript variant (1).
Genome position (GRCh38, 1-based): chr16:16,150,727, C>T on the plus strand (G>A on the coding strand, the complement: ABCC6 is on the minus strand). VCF-style: chr16-16150727-C-T. GRCh37 (hg19) VCF-style: chr16-16244584-C-T.
Other names: p.Arg1418=; c.3912G>A, p.Arg1304= (NM_001351800.1).
Identifiers: ClinVar variation 433357 (VCV000433357.55), dbSNP rs58668703, ClinGen allele CA7925239.